The following is an entry in ClinVar:

ClinVar aggregate classification (germline): Pathogenic (1 of 4 stars; one submission).

Submission:

Labcorp Genetics (formerly Invitae), Labcorp
Classification: Pathogenic. Last evaluated: 2022-05-14. Review status: criteria provided, single submitter. Criteria: Invitae Variant Classification Sherloc (09022015). Collection method: clinical testing. Allele origin: germline.
Comment: This sequence change creates a premature translational stop signal (p.Ser12*) in the SI gene. It is expected to result in an absent or disrupted protein product. Loss-of-function variants in SI are known to be pathogenic (PMID: 16329100, 23103650, 25452324). This variant is not present in population databases (gnomAD no frequency). This variant has not been reported in the literature in individuals affected with SI-related conditions. For these reasons, this variant has been classified as Pathogenic.

Literature cited by the submitters: PubMed 16329100; PubMed 23103650; PubMed 25452324.

NM_001041.4(SI):c.35_38del (p.Ile11_Ser12insTer)

Gene: SI (sucrase-isomaltase; minus strand). Cytogenetic location: 3q26.1.
Variant type: Microsatellite.
Coding change: c.35_38del on transcript NM_001041.4 (MANE Select); coding-DNA positions 35 to 38, 4 bases deleted (CTCT; older notation c.35_38delCTCT).
Protein change: p.Ile11_Ser12insTer.
Molecular consequence: nonsense.
Genome position (GRCh38, 1-based): chr3:165,075,975-165,075,978, AGAG deleted on the plus strand (CTCT on the coding strand, the reverse complement: SI is on the minus strand); deleting any 4 consecutive bases within chr3:165,075,975-165,075,981 gives the same sequence; the c. name uses the placement nearest the transcript's 3' end. VCF-style (leftmost placement, unchanged base first): chr3-165075974-CAGAG-C. GRCh37 (hg19) VCF-style: chr3-164793762-CAGAG-C.
Identifiers: ClinVar variation 2028537 (VCV002028537.4), dbSNP rs1714943416, ClinGen allele CA1055919852.